The following is an entry in ClinVar:

ClinVar aggregate classification (germline): Uncertain significance (1 of 4 stars; one submission).

Allele frequency attached by ClinVar (database versions not stated): TOPMed below 0.00001.

Submission:

Labcorp Genetics (formerly Invitae), Labcorp
Classification: Uncertain significance. Last evaluated: 2022-06-13. Review status: criteria provided, single submitter. Criteria: Invitae Variant Classification Sherloc (09022015). Collection method: clinical testing. Allele origin: germline.
Comment: In summary, the available evidence is currently insufficient to determine the role of this variant in disease. Therefore, it has been classified as a Variant of Uncertain Significance. Algorithms developed to predict the effect of missense changes on protein structure and function (SIFT, PolyPhen-2, Align-GVGD) all suggest that this variant is likely to be tolerated. ClinVar contains an entry for this variant (Variation ID: 1037420). This variant has not been reported in the literature in individuals affected with WHRN-related conditions. This variant is not present in population databases (gnomAD no frequency). This sequence change replaces proline, which is neutral and non-polar, with serine, which is neutral and polar, at codon 656 of the WHRN protein (p.Pro656Ser).

NM_015404.4(WHRN):c.1966C>T (p.Pro656Ser)

Gene: WHRN (whirlin; minus strand). Cytogenetic location: 9q32.
Variant type: single nucleotide variant.
Coding change: c.1966C>T on transcript NM_015404.4 (MANE Select); coding-DNA position 1966, C replaced by T.
Protein change: p.Pro656Ser; replaces proline 656 with serine.
Molecular consequence: missense variant.
Genome position (GRCh38, 1-based): chr9:114,406,625, G>A on the plus strand (C>T on the coding strand, the complement: WHRN is on the minus strand). VCF-style: chr9-114406625-G-A. GRCh37 (hg19) VCF-style: chr9-117168905-G-A.
Other names: c.817C>T, p.Pro273Ser (NM_001083885.3); c.1966C>T, p.Pro656Ser (NM_001173425.2); c.913C>T, p.Pro305Ser (NM_001346890.1); short protein forms P273S, P656S, P305S.
Identifiers: ClinVar variation 1037420 (VCV001037420.8), dbSNP rs1835051594, ClinGen allele CA374620565.